The following is an entry in ClinVar:

ClinVar aggregate classification (germline): Uncertain significance. Review status: criteria provided, multiple submitters, no conflicts (2 of 4 stars). 2 submissions from 2 submitters: Uncertain significance (2). Last evaluated 2025-09-30.

Conditions:
Hereditary cancer-predisposing syndrome. Also called: Neoplastic Syndromes, Hereditary; Hereditary neoplastic syndrome; Tumor predisposition; Hereditary Cancer Syndrome. Identifiers: Orphanet 140162, MedGen C0027672, MeSH D009386, MONDO:0015356.
Retinoblastoma (RB1). Also called: RETINOBLASTOMA, SOMATIC. Identifiers: Orphanet 790, MedGen C0035335, MeSH D012175, MONDO:0008380, OMIM 180200, HP:0009919. Disease mechanism: loss of function. Inheritance: Both sporadic and heritable forms are tested..

Submissions (2):

Labcorp Genetics (formerly Invitae), Labcorp
Classification: Uncertain significance for Retinoblastoma. Last evaluated: 2025-09-30. Review status: criteria provided, single submitter. Criteria: Invitae Variant Classification Sherloc (09022015). Collection method: clinical testing. Allele origin: germline.
Comment: This sequence change replaces serine, which is neutral and polar, with glycine, which is neutral and non-polar, at codon 393 of the RB1 protein (p.Ser393Gly). This variant is not present in population databases (gnomAD no frequency). This variant has not been reported in the literature in individuals affected with RB1-related conditions. ClinVar contains an entry for this variant (Variation ID: 2497608). Invitae Evidence Modeling of protein sequence and biophysical properties (such as structural, functional, and spatial information, amino acid conservation, physicochemical variation, residue mobility, and thermodynamic stability) indicates that this missense variant is not expected to disrupt RB1 protein function with a negative predictive value of 80%. In summary, the available evidence is currently insufficient to determine the role of this variant in disease. Therefore, it has been classified as a Variant of Uncertain Significance.

Ambry Genetics
Classification: Uncertain significance for Hereditary cancer-predisposing syndrome. Last evaluated: 2023-03-12. Review status: criteria provided, single submitter. Criteria: Ambry Variant Classification Scheme 2023. Collection method: clinical testing. Allele origin: germline.
Comment: The p.S393G variant (also known as c.1177A>G), located in coding exon 12 of the RB1 gene, results from an A to G substitution at nucleotide position 1177. The serine at codon 393 is replaced by glycine, an amino acid with similar properties. This amino acid position is conserved. In addition, this alteration is predicted to be tolerated by in silico analysis. Since supporting evidence is limited at this time, the clinical significance of this alteration remains unclear.

NM_000321.3(RB1):c.1177A>G (p.Ser393Gly)

Gene: RB1 (RB transcriptional corepressor 1; plus strand). Cytogenetic location: 13q14.2.
Variant type: single nucleotide variant.
Coding change: c.1177A>G on transcript NM_000321.3 (MANE Select); coding-DNA position 1177, A replaced by G.
Protein change: p.Ser393Gly; replaces serine 393 with glycine.
Molecular consequence: missense variant.
Genome position (GRCh38, 1-based): chr13:48,373,454, A>G. VCF-style: chr13-48373454-A-G. GRCh37 (hg19) VCF-style: chr13-48947590-A-G.
Other names: c.1177A>G, p.Ser393Gly (NM_001407165.1, NM_001407166.1); short protein forms S393G.
Identifiers: ClinVar variation 2497608 (VCV002497608.3), dbSNP rs1239088692, ClinGen allele CA388161552.